The following is an entry in ClinVar:

ClinVar aggregate classification (germline): Uncertain significance (1 of 4 stars; one submission).

Allele frequency attached by ClinVar (database versions not stated): gnomAD exomes below 0.00001; gnomAD 0.00001.
gnomAD v4.1: 3 of 1,613,926 alleles (0.00019%); highest among the groups gnomAD compares: East Asian, 0.0067%; no homozygotes.

Submission:

Labcorp Genetics (formerly Invitae), Labcorp
Classification: Uncertain significance. Last evaluated: 2022-05-30. Review status: criteria provided, single submitter. Criteria: Invitae Variant Classification Sherloc (09022015). Collection method: clinical testing. Allele origin: germline.
Comment: This sequence change replaces threonine, which is neutral and polar, with isoleucine, which is neutral and non-polar, at codon 313 of the TRPM1 protein (p.Thr313Ile). This variant is not present in population databases (gnomAD no frequency). This variant has not been reported in the literature in individuals affected with TRPM1-related conditions. Algorithms developed to predict the effect of missense changes on protein structure and function output the following: SIFT: "Tolerated"; PolyPhen-2: "Benign"; Align-GVGD: "Class C0". The isoleucine amino acid residue is found in multiple mammalian species, which suggests that this missense change does not adversely affect protein function. In summary, the available evidence is currently insufficient to determine the role of this variant in disease. Therefore, it has been classified as a Variant of Uncertain Significance.

NM_001252024.2(TRPM1):c.1004C>T (p.Thr335Ile)

Gene: TRPM1 (transient receptor potential cation channel subfamily M member 1; minus strand). Cytogenetic location: 15q13.3.
Variant type: single nucleotide variant.
Coding change: c.1004C>T on transcript NM_001252024.2 (MANE Select); coding-DNA position 1004, C replaced by T.
Protein change: p.Thr335Ile; replaces threonine 335 with isoleucine.
Molecular consequence: missense variant.
Genome position (GRCh38, 1-based): chr15:31,062,664, G>A on the plus strand (C>T on the coding strand, the complement: TRPM1 is on the minus strand). VCF-style: chr15-31062664-G-A. GRCh37 (hg19) VCF-style: chr15-31354867-G-A.
Other names: c.1055C>T, p.Thr352Ile (NM_001252020.2); c.938C>T, p.Thr313Ile (NM_002420.6); short protein forms T313I, T335I, T352I.
Identifiers: ClinVar variation 2001123 (VCV002001123.4), dbSNP rs2034264710, ClinGen allele CA391525750.